The following is an entry in ClinVar:

NM_001369.3(DNAH5):c.11146delinsACTCAGCAG (p.Phe3716fs)

Gene: DNAH5 (dynein axonemal heavy chain 5; minus strand). Cytogenetic location: 5p15.2.
Variant type: Indel.
Coding change: c.11146delinsACTCAGCAG on transcript NM_001369.3 (MANE Select); coding-DNA position 11146, T replaced by ACTCAGCAG.
Protein change: p.Phe3716fs; shifts the reading frame from phenylalanine 3716.
Molecular consequence: frameshift variant.
Genome position (GRCh38, 1-based): chr5:13,751,143, A replaced by CTGCTGAGT on the plus strand (T replaced by ACTCAGCAG on the coding strand, the reverse complement: DNAH5 is on the minus strand). VCF-style: chr5-13751143-A-CTGCTGAGT. GRCh37 (hg19) VCF-style: chr5-13751252-A-CTGCTGAGT.
Other names: short protein forms F3716fs.
Identifiers: ClinVar variation 5011008 (VCV005011008.1).
Genomic context (GRCh38, chr5:13,751,143, plus strand): 5'-TCTCTGTGAGAATGACCCTCCCCAGTAACTGATCTTCTAGACCTTTCATGGTGACAGTGA[A>CTGCTGAGT]GTCAATGATGGAGGTACGGGCACTTATCTCAGGGGTGTAGGCTGGGTTAGGCAATTTGGT-3'

ClinVar aggregate classification (germline): Pathogenic (1 of 4 stars; one submission).

Conditions:
Primary ciliary dyskinesia 3. Identifiers: Orphanet 244, MedGen C1837618, MONDO:0012085, OMIM 608644.

Submission:

Myriad Genetics, Inc.
Classification: Pathogenic for Primary ciliary dyskinesia 3. Last evaluated: 2024-05-14. Review status: criteria provided, single submitter. Criteria: Myriad Autosomal Dominant, Autosomal Recessive and X-Linked Classification Criteria (2023). Collection method: clinical testing. Allele origin: unknown.
Comment: NM_001369.2(DNAH5):c.11146del1ins9(F3716Tfs*8) is expected to be pathogenic in the context of primary ciliary dyskinesia, DNAH5-related. This variant is predicted to lead to an abnormal or absent protein product due to the creation of a premature termination codon in DNAH5, a gene where loss-of-function variants are known to be pathogenic. Please note: this variant was assessed in the context of healthy population screening.